The following is an entry in ClinVar:

NM_001194998.2(CEP152):c.3313C>G (p.Leu1105Val)

Gene: CEP152 (centrosomal protein 152; minus strand). Cytogenetic location: 15q21.1.
Variant type: single nucleotide variant.
Coding change: c.3313C>G on transcript NM_001194998.2 (MANE Select); coding-DNA position 3313, C replaced by G.
Protein change: p.Leu1105Val; replaces leucine 1105 with valine.
Molecular consequence: missense variant.
Genome position (GRCh38, 1-based): chr15:48,755,935, G>C on the plus strand (C>G on the coding strand, the complement: CEP152 is on the minus strand). VCF-style: chr15-48755935-G-C. GRCh37 (hg19) VCF-style: chr15-49048132-G-C.
Other names: c.3313C>G (NM_001194998.1); c.3313C>G, p.Leu1105Val (NM_014985.4); short protein forms L1105V.
Identifiers: ClinVar variation 158253 (VCV000158253.64), dbSNP rs74553953, ClinGen allele CA171725.

ClinVar aggregate classification (germline): Conflicting classifications of pathogenicity. Review status: criteria provided, conflicting classifications (1 of 4 stars). 8 submissions from 7 submitters: Uncertain significance (2); Benign (1); Likely benign (4). 1 of the submissions does not count toward it. Last evaluated 2026-09-01.

Conditions:
CEP152-related disorder. Also called: CEP152-related disorders; CEP152-related condition. Identifiers: MedGen CN239248.
Microcephaly 9, primary, autosomal recessive. Identifiers: Orphanet 2512, MedGen C3553886, MONDO:0013923, OMIM 614852.
Seckel syndrome 5 (SCKL5). Identifiers: Orphanet 808, MedGen C3151187, MONDO:0013443, OMIM 613823.

Allele frequency attached by ClinVar (database versions not stated): 1000 Genomes Project 0.00040; 1000 Genomes Project 30x 0.00078; ESP Exome Variant Server 0.00089; TOPMed 0.00107; gnomAD exomes 0.00138 and 0.00160; ExAC 0.00141; gnomAD 0.00155 and 0.00162.

Submissions (8):

CeGaT Center for Human Genetics Tuebingen
Classification: Likely benign. Last evaluated: 2026-09-01. Review status: criteria provided, single submitter. Criteria: CeGaT Center For Human Genetics Tuebingen Variant Classification Criteria Version 2. Collection method: clinical testing. Allele origin: germline. Affected: yes. Observed: 18 variant alleles.
Comment: CEP152: BP4, BS2

Labcorp Genetics (formerly Invitae), Labcorp
Classification: Likely benign. Last evaluated: 2026-01-26. Review status: criteria provided, single submitter. Criteria: Invitae Variant Classification Sherloc (09022015). Collection method: clinical testing. Allele origin: germline.

Blueprint Genetics
Classification: Likely benign. Last evaluated: 2024-11-22. Review status: criteria provided, single submitter. Criteria: ACMG Guidelines, 2015. Collection method: clinical testing. Allele origin: germline.

GeneDx
Classification: Likely benign. Last evaluated: 2021-05-20. Review status: criteria provided, single submitter. Criteria: GeneDx Variant Classification Process June 2021. Collection method: clinical testing. Allele origin: germline. Affected: yes.
Comment: This variant is associated with the following publications: (PMID: 25996639)

Illumina Laboratory Services, Illumina
Classification: Uncertain significance for Microcephaly 9, primary, autosomal recessive. Last evaluated: 2018-01-13. Review status: criteria provided, single submitter. Criteria: ICSL Variant Classification Criteria 13 December 2019. Collection method: clinical testing. Allele origin: germline.

Illumina Laboratory Services, Illumina
Classification: Uncertain significance for Seckel syndrome 5. Last evaluated: 2018-01-13. Review status: criteria provided, single submitter. Criteria: ICSL Variant Classification Criteria 13 December 2019. Collection method: clinical testing. Allele origin: germline.

Genetic Services Laboratory, University of Chicago
Classification: Benign. Last evaluated: 2013-02-08. Review status: criteria provided, single submitter. Criteria: ACMG Guidelines, 2007. Collection method: clinical testing. Allele origin: germline. Inheritance: Autosomal recessive inheritance.

PreventionGenetics, part of Exact Sciences
Classification: Likely benign for CEP152-related condition. Last evaluated: 2021-11-04. Review status: no assertion criteria provided. Collection method: clinical testing. Allele origin: germline. Not counted in ClinVar's aggregate classification.
Comment: This variant is classified as likely benign based on ACMG/AMP sequence variant interpretation guidelines (Richards et al. 2015 PMID: 25741868, with internal and published modifications).